The following is an entry in ClinVar:

ClinVar aggregate classification (germline): Uncertain significance. Review status: criteria provided, multiple submitters, no conflicts (2 of 4 stars). 2 submissions from 2 submitters: Uncertain significance (2). Last evaluated 2025-11-21.

Conditions:
SCN8A-related disorder.

Allele frequency attached by ClinVar (database versions not stated): gnomAD exomes below 0.00001.
gnomAD v4.1: 4 of 1,613,906 alleles (0.00025%); highest among the groups gnomAD compares: Non-Finnish European, 0.00017%; no homozygotes.

Submissions (2):

PreventionGenetics, part of Exact Sciences
Classification: Uncertain significance for SCN8A-related condition. Last evaluated: 2025-11-21. Review status: criteria provided, single submitter. Criteria: ACMG Guidelines, 2015. Collection method: clinical testing. Allele origin: germline.
Comment: The SCN8A c.3682A>G variant is predicted to result in the amino acid substitution p.Ile1228Val. To our knowledge, this variant has not been reported in the literature. This variant is reported in 0.00088% of alleles in individuals of European (Non-Finnish) descent in gnomAD. At this time, the clinical significance of this variant is uncertain due to the absence of conclusive functional and genetic evidence.

GeneDx
Classification: Uncertain significance. Last evaluated: 2023-04-11. Review status: criteria provided, single submitter. Criteria: GeneDx Variant Classification Process June 2021. Collection method: clinical testing. Allele origin: germline. Affected: yes.
Comment: This substitution is predicted to be within the Extracellular loop between the S1 and S2 transmembrane segments of the third homologous domain; In silico analysis supports that this missense variant does not alter protein structure/function; Missense variants in this gene are often considered pathogenic (HGMD); Has not been previously published as pathogenic or benign to our knowledge

NM_001330260.2(SCN8A):c.3682A>G (p.Ile1228Val)

Gene: SCN8A (sodium voltage-gated channel alpha subunit 8; plus strand). Cytogenetic location: 12q13.13.
Variant type: single nucleotide variant.
Coding change: c.3682A>G on transcript NM_001330260.2 (MANE Select); coding-DNA position 3682, A replaced by G.
Protein change: p.Ile1228Val; replaces isoleucine 1228 with valine.
Molecular consequence: missense variant.
Genome position (GRCh38, 1-based): chr12:51,774,225, A>G. VCF-style: chr12-51774225-A-G. GRCh37 (hg19) VCF-style: chr12-52168009-A-G.
Other names: c.3682A>G, p.Ile1228Val (NM_001177984.3, NM_001369788.1, NM_014191.4); short protein forms I1228V.
Identifiers: ClinVar variation 2628967 (VCV002628967.3), dbSNP rs1195967527, ClinGen allele CA384898910.